The following is an entry in ClinVar:

NM_001322934.2(NFKB2):c.1544A>C (p.Gln515Pro)

Gene: NFKB2 (nuclear factor kappa B subunit 2; plus strand). Cytogenetic location: 10q24.32.
Variant type: single nucleotide variant.
Coding change: c.1544A>C on transcript NM_001322934.2 (MANE Select); coding-DNA position 1544, A replaced by C.
Protein change: p.Gln515Pro; replaces glutamine 515 with proline.
Molecular consequence: missense variant.
Genome position (GRCh38, 1-based): chr10:102,400,154, A>C. VCF-style: chr10-102400154-A-C. GRCh37 (hg19) VCF-style: chr10-104159911-A-C.
Other names: c.1544A>C, p.Gln515Pro (NM_001077494.3, NM_001261403.3, NM_001288724.1 and 1 more transcripts); c.1418A>C, p.Gln473Pro (NM_001322935.1); short protein forms Q515P, Q473P.
Identifiers: ClinVar variation 3713721 (VCV003713721.2).
Genomic context (GRCh38, chr10:102,400,154, plus strand): 5'-CCATCATCCACGGGCAGACCAGTGTCATTGAGCAGATAGTCTATGTCATCCACCACGCCC[A>C]GGACCTCGGCGTTGTCAACCTCACCAACCACCTGCACCAGGTGCGGGGGCGCCTACTGGG-3'
Protein context (NP_001309863.1, residues 505-525): EQIVYVIHHA[Gln515Pro]DLGVVNLTNH

ClinVar aggregate classification (germline): Uncertain significance (1 of 4 stars; one submission).

Conditions:
Immunodeficiency, common variable, 10. Also called: DEFICIT IN ANTERIOR PITUITARY FUNCTION AND VARIABLE IMMUNODEFICIENCY; IMMUNODEFICIENCY, COMMON VARIABLE, WITH CENTRAL ADRENAL INSUFFICIENCY. Identifiers: MedGen C3809991, MONDO:0014260, OMIM 615577.

gnomAD v4.1: 1 of 1,614,050 alleles (0.000062%); highest among the groups gnomAD compares: African/African-American, 0.0013%; no homozygotes.

Submission:

Labcorp Genetics (formerly Invitae), Labcorp
Classification: Uncertain significance for Immunodeficiency, common variable, 10. Last evaluated: 2024-07-02. Review status: criteria provided, single submitter. Criteria: Invitae Variant Classification Sherloc (09022015). Collection method: clinical testing. Allele origin: germline.
Comment: This sequence change replaces glutamine, which is neutral and polar, with proline, which is neutral and non-polar, at codon 515 of the NFKB2 protein (p.Gln515Pro). The frequency data for this variant in the population databases is considered unreliable, as metrics indicate poor data quality at this position in the gnomAD database. This variant has not been reported in the literature in individuals affected with NFKB2-related conditions. Algorithms developed to predict the effect of missense changes on protein structure and function output the following: SIFT: "Not Available"; PolyPhen-2: "Benign"; Align-GVGD: "Not Available". The proline amino acid residue is found in multiple mammalian species, which suggests that this missense change does not adversely affect protein function. In summary, the available evidence is currently insufficient to determine the role of this variant in disease. Therefore, it has been classified as a Variant of Uncertain Significance.